The following is an entry in ClinVar:

ClinVar aggregate classification (germline): Uncertain significance (1 of 4 stars; one submission).

Conditions:
Early-infantile DEE. Also called: Early infantile epileptic encephalopathy; Ohtahara syndrome; Early infantile epileptic encephalopathy with suppression bursts. Identifiers: Orphanet 1934, MedGen C0393706, MONDO:0800491.

Submission:

Labcorp Genetics (formerly Invitae), Labcorp
Classification: Uncertain significance for Early-infantile DEE. Last evaluated: 2025-03-10. Review status: criteria provided, single submitter. Criteria: Invitae Variant Classification Sherloc (09022015). Collection method: clinical testing. Allele origin: germline.
Comment: This sequence change replaces valine, which is neutral and non-polar, with leucine, which is neutral and non-polar, at codon 239 of the HCN1 protein (p.Val239Leu). This variant is not present in population databases (gnomAD no frequency). This missense change has been observed in individual(s) with clinical features of HCN1-related conditions (PMID: 31780880). Invitae Evidence Modeling of protein sequence and biophysical properties (such as structural, functional, and spatial information, amino acid conservation, physicochemical variation, residue mobility, and thermodynamic stability) indicates that this missense variant is not expected to disrupt HCN1 protein function with a negative predictive value of 95%. In summary, the available evidence is currently insufficient to determine the role of this variant in disease. Therefore, it has been classified as a Variant of Uncertain Significance.

Literature cited by the submitters: PubMed 31780880.

NM_021072.4(HCN1):c.715G>T (p.Val239Leu)

Gene: HCN1 (hyperpolarization activated cyclic nucleotide gated potassium channel 1; minus strand). Cytogenetic location: 5p12.
Variant type: single nucleotide variant.
Coding change: c.715G>T on transcript NM_021072.4 (MANE Select); coding-DNA position 715, G replaced by T.
Protein change: p.Val239Leu; replaces valine 239 with leucine.
Molecular consequence: missense variant.
Genome position (GRCh38, 1-based): chr5:45,645,319, C>A on the plus strand (G>T on the coding strand, the complement: HCN1 is on the minus strand). VCF-style: chr5-45645319-C-A. GRCh37 (hg19) VCF-style: chr5-45645421-C-A.
Other names: short protein forms V239L.
Identifiers: ClinVar variation 3609139 (VCV003609139.2).
Genomic context (GRCh38, chr5:45,645,319, plus strand): 5'-ACCTCACAATGCGAAGTGCCCTGGCTGTCTTGTAAACTTCAGAATCCATTCCTTTTTCTA[C>A]AATAAGAAAGATATAATCCACTGGGATGGATGAGATGAAGTCAACCACAAACCAGCTTTT-3'
Protein context (NP_066550.2, residues 229-249): SIPVDYIFLI[Val239Leu]EKGMDSEVYK